The following is an entry in ClinVar:

ClinVar aggregate classification (germline): Uncertain significance (1 of 4 stars; one submission).

Conditions:
Generalized epilepsy with febrile seizures plus, type 9 (GEFSP9). Also called: GEFS+, TYPE 9. Identifiers: Orphanet 36387, MedGen C4015395, MONDO:0014517, OMIM 616172.

Submission:

Labcorp Genetics (formerly Invitae), Labcorp
Classification: Uncertain significance for Generalized epilepsy with febrile seizures plus, type 9. Last evaluated: 2024-09-06. Review status: criteria provided, single submitter. Criteria: Invitae Variant Classification Sherloc (09022015). Collection method: clinical testing. Allele origin: germline.
Comment: This sequence change replaces aspartic acid, which is acidic and polar, with glutamic acid, which is acidic and polar, at codon 67 of the STX1B protein (p.Asp67Glu). This variant is not present in population databases (gnomAD no frequency). This variant has not been reported in the literature in individuals affected with STX1B-related conditions. Invitae Evidence Modeling of protein sequence and biophysical properties (such as structural, functional, and spatial information, amino acid conservation, physicochemical variation, residue mobility, and thermodynamic stability) indicates that this missense variant is not expected to disrupt STX1B protein function with a negative predictive value of 80%. In summary, the available evidence is currently insufficient to determine the role of this variant in disease. Therefore, it has been classified as a Variant of Uncertain Significance.

NM_052874.5(STX1B):c.201T>G (p.Asp67Glu)

Gene: STX1B (syntaxin 1B; minus strand). Cytogenetic location: 16p11.2.
Variant type: single nucleotide variant.
Coding change: c.201T>G on transcript NM_052874.5 (MANE Select); coding-DNA position 201, T replaced by G.
Protein change: p.Asp67Glu; replaces aspartic acid 67 with glutamic acid.
Molecular consequence: missense variant.
Genome position (GRCh38, 1-based): chr16:31,001,098, A>C on the plus strand (T>G on the coding strand, the complement: STX1B is on the minus strand). VCF-style: chr16-31001098-A-C. GRCh37 (hg19) VCF-style: chr16-31012419-A-C.
Other names: short protein forms D67E.
Identifiers: ClinVar variation 2795958 (VCV002795958.3), dbSNP rs1320688353, ClinGen allele CA395651414.